The following is an entry in ClinVar:

NM_018368.4(LMBRD1):c.979A>G (p.Asn327Asp)

Gene: LMBRD1 (LMBR1 domain containing 1; minus strand). Cytogenetic location: 6q13.
Variant type: single nucleotide variant.
Coding change: c.979A>G on transcript NM_018368.4 (MANE Select); coding-DNA position 979, A replaced by G.
Protein change: p.Asn327Asp; replaces asparagine 327 with aspartic acid.
Molecular consequence: missense variant.
Genome position (GRCh38, 1-based): chr6:69,701,890, T>C on the plus strand (A>G on the coding strand, the complement: LMBRD1 is on the minus strand). VCF-style: chr6-69701890-T-C. GRCh37 (hg19) VCF-style: chr6-70411782-T-C.
Other names: p.Asn327Asp; c.760A>G, p.Asn254Asp (NM_001363722.2, NM_001367271.1, NM_001367272.1); short protein forms N254D, N327D.
Identifiers: ClinVar variation 3379696 (VCV003379696.1).
Genomic context (GRCh38, chr6:69,701,890, plus strand): 5'-AATGTATATTATCATAGAATTTGTATAAGTGCTTTAGAAAATGTGTCTACTGTACTTACT[T>C]TGACAAGAAGAGAGAAATTACAAACAGCAATGCAACTAAGATGAAAAATATTCCCCAGAC-3'
Protein context (NP_060838.3, residues 317-337): LLFVISLFLS[Asn327Asp]LDKALHSAGI

ClinVar aggregate classification (germline): Uncertain significance (1 of 4 stars; one submission).

Submission:

Mayo Clinic Laboratories, Mayo Clinic
Classification: Uncertain significance. Last evaluated: 2024-05-09. Review status: criteria provided, single submitter. Criteria: ACMG Guidelines, 2015. Collection method: clinical testing. Allele origin: germline. Observed: 1 variant allele.
Comment: BP4, PM2_moderate